The following is an entry in ClinVar:

ClinVar aggregate classification (germline): Uncertain significance. Review status: criteria provided, multiple submitters, no conflicts (2 of 4 stars). 2 submissions from 2 submitters: Uncertain significance (2). Last evaluated 2024-02-17.

Conditions:
Inborn genetic diseases. Identifiers: MedGen C0950123, MeSH D030342.

Allele frequency attached by ClinVar (database versions not stated): ExAC 0.00001; gnomAD 0.00001; gnomAD exomes 0.00001; TOPMed 0.00001.
gnomAD v4.1: 8 of 1,614,056 alleles (0.0005%); highest among the groups gnomAD compares: Admixed American, 0.013%; no homozygotes.

Submissions (2):

Ambry Genetics
Classification: Uncertain significance for Inborn genetic diseases. Last evaluated: 2024-02-17. Review status: criteria provided, single submitter. Criteria: Ambry Variant Classification Scheme 2023. Collection method: clinical testing. Allele origin: germline.

Labcorp Genetics (formerly Invitae), Labcorp
Classification: Uncertain significance. Last evaluated: 2022-08-19. Review status: criteria provided, single submitter. Criteria: Invitae Variant Classification Sherloc (09022015). Collection method: clinical testing. Allele origin: germline.
Comment: This sequence change replaces isoleucine, which is neutral and non-polar, with asparagine, which is neutral and polar, at codon 156 of the TBXAS1 protein (p.Ile156Asn). This variant is present in population databases (rs757613487, gnomAD 0.01%). This variant has not been reported in the literature in individuals affected with TBXAS1-related conditions. Algorithms developed to predict the effect of missense changes on protein structure and function (SIFT, PolyPhen-2, Align-GVGD) all suggest that this variant is likely to be disruptive. In summary, the available evidence is currently insufficient to determine the role of this variant in disease. Therefore, it has been classified as a Variant of Uncertain Significance.

NM_001061.7(TBXAS1):c.464T>A (p.Ile155Asn)

Gene: TBXAS1 (thromboxane A synthase 1; plus strand). Cytogenetic location: 7q34.
Variant type: single nucleotide variant.
Coding change: c.464T>A on transcript NM_001061.7 (MANE Select); coding-DNA position 464, T replaced by A.
Protein change: p.Ile155Asn; replaces isoleucine 155 with asparagine.
Molecular consequence: missense variant.
Genome position (GRCh38, 1-based): chr7:139,953,381, T>A. VCF-style: chr7-139953381-T-A. GRCh37 (hg19) VCF-style: chr7-139653180-T-A.
Other names: c.464T>A, p.Ile155Asn (NM_001130966.5, NM_030984.6); c.602T>A, p.Ile201Asn (NM_001166253.4); c.263T>A, p.Ile88Asn (NM_001166254.4); c.407T>A, p.Ile136Asn (NM_001314028.4); c.281T>A, p.Ile94Asn (NM_001366537.3); c.467T>A (NM_001061.4); short protein forms I156N, I201N, I94N, I136N, I202N, I88N, I155N.
Identifiers: ClinVar variation 2186196 (VCV002186196.2), dbSNP rs757613487, ClinGen allele CA4511673.
Genomic context (GRCh38, chr7:139,953,381, plus strand): 5'-TACTCCCGGCATGGTGCCCTAATTACACCTTTGTTATCCATTATCAGATGGTTCCCCTCA[T>A]CAGCCAAGCCTGCGACCTTCTCCTGGCTCATTTAAAACGCTATGCGGAATCTGGGGACGC-3'
Protein context (NP_001052.3, residues 145-165): PEKLNEMVPL[Ile155Asn]SQACDLLLAH